The following is an entry in ClinVar:

ClinVar aggregate classification (germline): Uncertain significance (1 of 4 stars; one submission).

Conditions:
Emery-Dreifuss muscular dystrophy 4, autosomal dominant (EDMD4). Also called: EMERY-DREIFUSS MUSCULAR DYSTROPHY 4 WITH VARIABLE FEATURES. Identifiers: Orphanet 261, MedGen C2751807, MONDO:0013071, OMIM 612998.
Autosomal recessive ataxia, Beauce type. Also called: Spinocerebellar ataxia, autosomal recessive 8; ATAXIA, RECESSIVE, OF BEAUCE; SYNE1 Deficiency; SYNE1-Related Autosomal Recessive Cerebellar Ataxia. Identifiers: Orphanet 88644, MedGen C1853116, MONDO:0012549, OMIM 610743.

Submission:

Labcorp Genetics (formerly Invitae), Labcorp
Classification: Uncertain significance for Emery-Dreifuss muscular dystrophy 4, autosomal dominant; Autosomal recessive ataxia, Beauce type. Last evaluated: 2021-08-17. Review status: criteria provided, single submitter. Criteria: Invitae Variant Classification Sherloc (09022015). Collection method: clinical testing. Allele origin: germline.
Comment: This sequence change replaces glutamic acid with aspartic acid at codon 6221 of the SYNE1 protein (p.Glu6221Asp). The glutamic acid residue is highly conserved and there is a small physicochemical difference between glutamic acid and aspartic acid. This variant is not present in population databases (ExAC no frequency). This variant has not been reported in the literature in individuals affected with SYNE1-related conditions. Algorithms developed to predict the effect of missense changes on protein structure and function are either unavailable or do not agree on the potential impact of this missense change (SIFT: "Deleterious"; PolyPhen-2: "Benign"; Align-GVGD: "Class C35"). In summary, the available evidence is currently insufficient to determine the role of this variant in disease. Therefore, it has been classified as a Variant of Uncertain Significance.

NM_182961.4(SYNE1):c.18876A>C (p.Glu6292Asp)

Gene: SYNE1 (spectrin repeat containing nuclear envelope protein 1; minus strand). Cytogenetic location: 6q25.2.
Variant type: single nucleotide variant.
Coding change: c.18876A>C on transcript NM_182961.4 (MANE Select); coding-DNA position 18876, A replaced by C.
Protein change: p.Glu6292Asp; replaces glutamic acid 6292 with aspartic acid.
Molecular consequence: missense variant.
Genome position (GRCh38, 1-based): chr6:152,262,128, T>G on the plus strand (A>C on the coding strand, the complement: SYNE1 is on the minus strand). VCF-style: chr6-152262128-T-G. GRCh37 (hg19) VCF-style: chr6-152583263-T-G.
Other names: c.18663A>C, p.Glu6221Asp (NM_033071.5); short protein forms E6221D, E6292D.
Identifiers: ClinVar variation 1449086 (VCV001449086.6), dbSNP rs778537486, ClinGen allele CA366090206.